The following is an entry in ClinVar:

NM_000179.3(MSH6):c.3506C>A (p.Pro1169Gln)

Gene: MSH6 (mutS homolog 6; plus strand). Cytogenetic location: 2p16.3.
Variant type: single nucleotide variant.
Coding change: c.3506C>A on transcript NM_000179.3 (MANE Select); coding-DNA position 3506, C replaced by A.
Protein change: p.Pro1169Gln; replaces proline 1169 with glutamine.
Molecular consequence: missense variant. On other transcripts: non-coding transcript variant (4).
Genome position (GRCh38, 1-based): chr2:47,804,977, C>A. VCF-style: chr2-47804977-C-A. GRCh37 (hg19) VCF-style: chr2-48032116-C-A.
Other names: c.3602C>A, p.Pro1201Gln (NM_001406802.1, NM_001406795.1); c.2642C>A, p.Pro881Gln (NM_001406803.1); c.3428C>A, p.Pro1143Gln (NM_001406804.1); c.3209C>A, p.Pro1070Gln (NM_001406805.1, NM_001406818.1, NM_001406819.1 and 10 more transcripts); c.2981C>A, p.Pro994Gln (NM_001406806.1, NM_001406807.1, NM_001406799.1); c.3506C>A, p.Pro1169Gln (NM_001406808.1, NM_001406809.1, NM_001406796.1 and 1 more transcripts); c.2600C>A, p.Pro867Gln (NM_001406811.1, NM_001406812.1, NM_001406814.1 and 6 more transcripts); c.3512C>A, p.Pro1171Gln (NM_001406813.1); and 7 more; short protein forms P1169Q, P118Q, P96Q, P994Q, P1143Q, P1171Q, P1201Q, P647Q.
Identifiers: ClinVar variation 5024939 (VCV005024939.1).

ClinVar aggregate classification (germline): Uncertain significance (1 of 4 stars; one submission).

Conditions:
Hereditary cancer-predisposing syndrome. Also called: Neoplastic Syndromes, Hereditary; Tumor predisposition; Hereditary neoplastic syndrome; Hereditary Cancer Syndrome. Identifiers: Orphanet 140162, MedGen C0027672, MeSH D009386, MONDO:0015356.

Submission:

Ambry Genetics
Classification: Uncertain significance for Hereditary cancer-predisposing syndrome. Last evaluated: 2026-09-03. Review status: criteria provided, single submitter. Criteria: Ambry Variant Classification Scheme 2023. Collection method: clinical testing. Allele origin: germline.
Comment: The p.P1169Q variant (also known as c.3506C>A), located in coding exon 6 of the MSH6 gene, results from a C to A substitution at nucleotide position 3506. The proline at codon 1169 is replaced by glutamine, an amino acid with similar properties. This amino acid position is conserved. In addition, this alteration is predicted to be deleterious by in silico analysis. Based on the available evidence, the clinical significance of this variant remains unclear.